The following is an entry in ClinVar:

NM_001690.4(ATP6V1A):c.224T>C (p.Val75Ala)

Gene: ATP6V1A (ATPase H+ transporting V1 subunit A; plus strand). Cytogenetic location: 3q13.31.
Variant type: single nucleotide variant.
Coding change: c.224T>C on transcript NM_001690.4 (MANE Select); coding-DNA position 224, T replaced by C.
Protein change: p.Val75Ala; replaces valine 75 with alanine.
Molecular consequence: missense variant.
Genome position (GRCh38, 1-based): chr3:113,784,236, T>C. VCF-style: chr3-113784236-T-C. GRCh37 (hg19) VCF-style: chr3-113503083-T-C.
Other names: short protein forms V75A.
Identifiers: ClinVar variation 4764058 (VCV004764058.1).

ClinVar aggregate classification (germline): Uncertain significance (1 of 4 stars; one submission).

Submission:

Labcorp Genetics (formerly Invitae), Labcorp
Classification: Uncertain significance. Last evaluated: 2025-02-25. Review status: criteria provided, single submitter. Criteria: Invitae Variant Classification Sherloc (09022015). Collection method: clinical testing. Allele origin: germline.
Comment: This sequence change replaces valine, which is neutral and non-polar, with alanine, which is neutral and non-polar, at codon 75 of the ATP6V1A protein (p.Val75Ala). This variant is not present in population databases (gnomAD no frequency). This variant has not been reported in the literature in individuals affected with ATP6V1A-related conditions. Invitae Evidence Modeling of protein sequence and biophysical properties (such as structural, functional, and spatial information, amino acid conservation, physicochemical variation, residue mobility, and thermodynamic stability) indicates that this missense variant is not expected to disrupt ATP6V1A protein function with a negative predictive value of 80%. In summary, the available evidence is currently insufficient to determine the role of this variant in disease. Therefore, it has been classified as a Variant of Uncertain Significance.